The following is an entry in ClinVar:

NM_014874.4(MFN2):c.1811_1849del (p.Val604_Met616del)

Gene: MFN2 (mitofusin 2; plus strand). Cytogenetic location: 1p36.22.
Variant type: Deletion.
Coding change: c.1811_1849del on transcript NM_014874.4 (MANE Select); coding-DNA positions 1811 to 1849, 39 bases deleted.
Protein change: p.Val604_Met616del.
Molecular consequence: inframe deletion.
Genome position (GRCh38, 1-based): chr1:12,006,632-12,006,670, 39 bases deleted; deleting any 39 consecutive bases within chr1:12,006,625-12,006,670 gives the same sequence; the c. name uses the placement nearest the transcript's 3' end. GRCh37 (hg19): chr1:12,066,689-12,066,727.
Other names: c.1811_1849del, p.Val604_Met616del (NM_001127660.2).
Identifiers: ClinVar variation 5038239 (VCV005038239.1).

ClinVar aggregate classification (germline): Uncertain significance (1 of 4 stars; one submission).

Conditions:
Charcot-Marie-Tooth disease type 2A2. Also called: CHARCOT-MARIE-TOOTH DISEASE, AXONAL, TYPE 2A2; CHARCOT-MARIE-TOOTH DISEASE, NEURONAL, TYPE 2A2; HEREDITARY MOTOR AND SENSORY NEUROPATHY IIA2; HMSN IIA2; CHARCOT-MARIE-TOOTH DISEASE, AXONAL, AUTOSOMAL DOMINANT, TYPE 2A2A; Charcot-Marie-Tooth Neuropathy Type 2A2. Identifiers: Orphanet 99947, MedGen C4721887, MONDO:0012231, OMIM 609260.

Submission:

MVZ Medizinische Genetik Mainz
Classification: Uncertain significance for Charcot-Marie-Tooth disease type 2A2. Last evaluated: 2026-04-02. Review status: criteria provided, single submitter. Criteria: UK Practice Guidelines For Variant Classification V4 01 2020. Collection method: clinical testing. Allele origin: germline. Inheritance: Autosomal dominant inheritance. Affected: yes. Observed: 1 variant allele.
Comment: ACMG Criteria: PM4,PM1_SUP,PM2_SUP,PP3